The following is an entry in ClinVar:

ClinVar aggregate classification (germline): Likely benign. Review status: criteria provided, single submitter (1 of 4 stars). 2 submissions from 2 submitters: Likely benign (1). 1 of the submissions does not count toward it. Last evaluated 2023-07-22.

Conditions:
IL6R-related disorder. Also called: IL6R-related condition.

Allele frequency attached by ClinVar (database versions not stated): TOPMed 0.00001; ExAC 0.00009; 1000 Genomes Project 30x 0.00016; 1000 Genomes Project 0.00020.
gnomAD v4.1: 70 of 1,611,598 alleles (0.0043%); highest among the groups gnomAD compares: South Asian, 0.063%; 2 homozygotes.

Submissions (2):

Labcorp Genetics (formerly Invitae), Labcorp
Classification: Likely benign. Last evaluated: 2023-07-22. Review status: criteria provided, single submitter. Criteria: Invitae Variant Classification Sherloc (09022015). Collection method: clinical testing. Allele origin: germline.

PreventionGenetics, part of Exact Sciences
Classification: Likely benign for IL6R-related condition. Last evaluated: 2023-10-26. Review status: no assertion criteria provided. Collection method: clinical testing. Allele origin: germline. Not counted in ClinVar's aggregate classification.
Comment: This variant is classified as likely benign based on ACMG/AMP sequence variant interpretation guidelines (Richards et al. 2015 PMID: 25741868, with internal and published modifications).

NM_000565.4(IL6R):c.99C>T (p.Gly33=)

Gene: IL6R (interleukin 6 receptor; plus strand). Cytogenetic location: 1q21.3.
Variant type: single nucleotide variant.
Coding change: c.99C>T on transcript NM_000565.4 (MANE Select); coding-DNA position 99, C replaced by T.
Protein change: p.Gly33=; no amino-acid change (glycine 33 retained).
Molecular consequence: synonymous variant.
Genome position (GRCh38, 1-based): chr1:154,429,209, C>T. VCF-style: chr1-154429209-C-T. GRCh37 (hg19) VCF-style: chr1-154401685-C-T.
Other names: c.99C>T, p.Gly33= (NM_001206866.2, NM_001382769.1, NM_001382770.1 and 5 more transcripts); c.99C>T (NM_000565.3).
Identifiers: ClinVar variation 1991296 (VCV001991296.6), dbSNP rs538533109, ClinGen allele CA1128916.